The following is an entry in ClinVar:

ClinVar aggregate classification (germline): Conflicting classifications of pathogenicity. Review status: criteria provided, conflicting classifications (1 of 4 stars). 2 submissions from 2 submitters: Uncertain significance (1); Likely benign (1). Last evaluated 2025-03-28.

Conditions:
Hereditary cancer-predisposing syndrome. Also called: Hereditary Cancer Syndrome; Hereditary neoplastic syndrome; Neoplastic Syndromes, Hereditary; Tumor predisposition. Identifiers: Orphanet 140162, MedGen C0027672, MeSH D009386, MONDO:0015356.
Familial cancer of breast. Also called: BREAST CANCER, FAMILIAL; Hereditary breast cancer; hereditary breast carcinoma. Identifiers: Orphanet 227535, MedGen C0346153, MONDO:0016419, OMIM 114480. Disease mechanism: loss of function.

Allele frequency attached by ClinVar (database versions not stated): TOPMed below 0.00001.

Submissions (2):

Ambry Genetics
Classification: Likely benign for Hereditary cancer-predisposing syndrome. Last evaluated: 2025-03-28. Review status: criteria provided, single submitter. Criteria: Ambry Variant Classification Scheme 2023. Collection method: clinical testing. Allele origin: germline.

Labcorp Genetics (formerly Invitae), Labcorp
Classification: Uncertain significance for Familial cancer of breast. Last evaluated: 2024-02-13. Review status: criteria provided, single submitter. Criteria: Invitae Variant Classification Sherloc (09022015). Collection method: clinical testing. Allele origin: germline.
Comment: This sequence change replaces proline, which is neutral and non-polar, with serine, which is neutral and polar, at codon 522 of the CHEK2 protein (p.Pro522Ser). This variant is not present in population databases (gnomAD no frequency). This variant has not been reported in the literature in individuals affected with CHEK2-related conditions. ClinVar contains an entry for this variant (Variation ID: 1775335). An algorithm developed to predict the effect of missense changes on protein structure and function (PolyPhen-2) suggests that this variant is likely to be tolerated. In summary, the available evidence is currently insufficient to determine the role of this variant in disease. Therefore, it has been classified as a Variant of Uncertain Significance.

NM_007194.4(CHEK2):c.1564C>T (p.Pro522Ser)

Gene: CHEK2 (checkpoint kinase 2; minus strand). Cytogenetic location: 22q12.1.
Variant type: single nucleotide variant.
Coding change: c.1564C>T on transcript NM_007194.4 (MANE Select); coding-DNA position 1564, C replaced by T.
Protein change: p.Pro522Ser; replaces proline 522 with serine.
Molecular consequence: missense variant.
Genome position (GRCh38, 1-based): chr22:28,687,965, G>A on the plus strand (C>T on the coding strand, the complement: CHEK2 is on the minus strand). VCF-style: chr22-28687965-G-A. GRCh37 (hg19) VCF-style: chr22-29083953-G-A.
Other names: c.1693C>T, p.Pro565Ser (NM_001005735.3); c.901C>T, p.Pro301Ser (NM_001257387.3); c.1363C>T, p.Pro455Ser (NM_001349956.3); c.1477C>T, p.Pro493Ser (NM_145862.3); short protein forms P301S, P493S, P522S, P565S, P455S.
Identifiers: ClinVar variation 1775335 (VCV001775335.6), dbSNP rs2052186545, ClinGen allele CA411091357.